The following is an entry in ClinVar:

ClinVar aggregate classification (germline): Uncertain significance (1 of 4 stars; one submission).

Conditions:
Primary ciliary dyskinesia. Also called: Ciliary dyskinesia. Identifiers: Orphanet 244, MedGen C0008780, MONDO:0016575, HP:0012265.

Allele frequency attached by ClinVar (database versions not stated): TOPMed below 0.00001; gnomAD 0.00001.
gnomAD v4.1: 1 of 1,613,950 alleles (0.000062%); highest among the groups gnomAD compares: African/African-American, 0.0013%; no homozygotes.

Submission:

Labcorp Genetics (formerly Invitae), Labcorp
Classification: Uncertain significance for Primary ciliary dyskinesia. Last evaluated: 2018-12-20. Review status: criteria provided, single submitter. Criteria: Invitae Variant Classification Sherloc (09022015). Collection method: clinical testing. Allele origin: germline.
Comment: Algorithms developed to predict the effect of missense changes on protein structure and function are either unavailable or do not agree on the potential impact of this missense change (SIFT: "Deleterious"; PolyPhen-2: "Not available"; Align-GVGD: "Class C0"). In summary, the available evidence is currently insufficient to determine the role of this variant in disease. Therefore, it has been classified as a Variant of Uncertain Significance. This variant has not been reported in the literature in individuals with DNAH8-related conditions. This variant is not present in population databases (ExAC no frequency). This sequence change replaces isoleucine with threonine at codon 693 of the DNAH8 protein (p.Ile693Thr). The isoleucine residue is moderately conserved and there is a moderate physicochemical difference between isoleucine and threonine.

NM_001206927.2(DNAH8):c.2078T>C (p.Ile693Thr)

Gene: DNAH8 (dynein axonemal heavy chain 8; plus strand). Cytogenetic location: 6p21.2.
Variant type: single nucleotide variant.
Coding change: c.2078T>C on transcript NM_001206927.2 (MANE Select); coding-DNA position 2078, T replaced by C.
Protein change: p.Ile693Thr; replaces isoleucine 693 with threonine.
Molecular consequence: missense variant.
Genome position (GRCh38, 1-based): chr6:38,780,004, T>C. VCF-style: chr6-38780004-T-C. GRCh37 (hg19) VCF-style: chr6-38747780-T-C.
Other names: c.1427T>C, p.Ile476Thr (NM_001371.4); short protein forms I693T, I476T.
Identifiers: ClinVar variation 646523 (VCV000646523.9), dbSNP rs1189384115, ClinGen allele CA363988925.
Genomic context (GRCh38, chr6:38,780,004, plus strand): 5'-ATTCAGCTTTGATTACTTTTAGGTTTCAGAAGCTGAACATTCCCTGTCTGGGATTAGAAA[T>C]AAACCACACAATAGAGCGTATTCTTCAGTACTATGTGGCTGAACTTGATGCTACTAAGAA-3'
Protein context (NP_001193856.1, residues 683-703): KLNIPCLGLE[Ile693Thr]NHTIERILQY